The following is an entry in ClinVar:

NM_000214.3(JAG1):c.2006del (p.Asn669fs)

Gene: JAG1 (jagged canonical Notch ligand 1; minus strand). Cytogenetic location: 20p12.2.
Variant type: Deletion.
Coding change: c.2006del on transcript NM_000214.3 (MANE Select); coding-DNA position 2006, one base deleted (A; older notation c.2006delA).
Protein change: p.Asn669fs; shifts the reading frame from asparagine 669.
Molecular consequence: frameshift variant.
Genome position (GRCh38, 1-based): chr20:10,645,463, T deleted on the plus strand (A on the coding strand, the reverse complement: JAG1 is on the minus strand); the first of 2 consecutive T bases (chr20:10,645,463-10,645,464); deleting either gives the same sequence. VCF-style (leftmost placement, unchanged base first): chr20-10645462-AT-A. GRCh37 (hg19) VCF-style: chr20-10626110-AT-A.
Other names: short protein forms N669fs.
Identifiers: ClinVar variation 3032226 (VCV003032226.2), dbSNP rs2514513715, ClinGen allele CA2740097011.

ClinVar aggregate classification (germline): Likely pathogenic (0 of 4 stars; one submission).

Conditions:
JAG1-related disorder. Also called: JAG1-related disorders; JAG1-related condition.

Submission:

PreventionGenetics, part of Exact Sciences
Classification: Likely pathogenic for JAG1-related condition. Last evaluated: 2024-01-09. Review status: no assertion criteria provided. Collection method: clinical testing. Allele origin: germline.
Comment: The JAG1 c.2006delA variant is predicted to result in a frameshift and premature protein termination (p.Asn669Metfs*74). To our knowledge, this variant has not been reported in the literature or in a large population database, indicating this variant is rare. Frameshift variants in JAG1 are expected to be pathogenic. This variant is interpreted as likely pathogenic.